The following is an entry in ClinVar:

ClinVar aggregate classification (germline): Benign/Likely benign. Review status: criteria provided, multiple submitters, no conflicts (2 of 4 stars). 12 submissions from 12 submitters: Benign (3); Likely benign (5). 4 of the submissions do not count toward it. Last evaluated 2026-01-22.

Conditions:
NOTCH2-related disorder. Also called: NOTCH2-related condition.
Hajdu-Cheney syndrome (HJCYS). Also called: SERPENTINE FIBULA-POLYCYSTIC KIDNEY SYNDROME; ACROOSTEOLYSIS WITH OSTEOPOROSIS AND CHANGES IN SKULL AND MANDIBLE; Acroosteolysis dominant type. Identifiers: Orphanet 955, MedGen C0917715, MONDO:0007057, OMIM 102500.
Alagille syndrome due to a NOTCH2 point mutation. Also called: Alagille syndrome 2. Identifiers: Orphanet 261629, Orphanet 52, MedGen C1857761, MONDO:0012439, OMIM 610205.

Allele frequency attached by ClinVar (database versions not stated): 1000 Genomes Project 30x 0.00016; 1000 Genomes Project 0.00020; ExAC 0.00098; gnomAD exomes 0.00101 and 0.00180; gnomAD 0.00109 and 0.00131; TOPMed 0.00145; ESP Exome Variant Server 0.00161.
gnomAD v4.1: 2,815 of 1,614,176 alleles (0.17%); highest among the groups gnomAD compares: Non-Finnish European, 0.21%; 3 homozygotes.

Submissions (12):

Labcorp Genetics (formerly Invitae), Labcorp
Classification: Likely benign for Hajdu-Cheney syndrome. Last evaluated: 2026-01-22. Review status: criteria provided, single submitter. Criteria: Invitae Variant Classification Sherloc (09022015). Collection method: clinical testing. Allele origin: germline.

CeGaT Center for Human Genetics Tuebingen
Classification: Likely benign. Last evaluated: 2026-01-01. Review status: criteria provided, single submitter. Criteria: CeGaT Center For Human Genetics Tuebingen Variant Classification Criteria Version 2. Collection method: clinical testing. Allele origin: germline. Affected: yes. Observed: 3 variant alleles.
Comment: NOTCH2: BS1

Department of Human Genetics, Hannover Medical School
Classification: Likely benign for Alagille syndrome due to a NOTCH2 point mutation. Last evaluated: 2025-02-01. Review status: criteria provided, single submitter. Criteria: ACMG Guidelines, 2015. Collection method: clinical testing. Allele origin: germline. Affected: yes. Observed: 2 variant alleles.
Comment: ACMG: Allele frequency is greater than expected for disorder (Filtering allele frequency 0.2024% in gnomAD v4.1.0) [BS1]; Observed in 3 homozygotes (gnomAD v4.1.0) [BS2_supp]

Blueprint Genetics
Classification: Likely benign. Last evaluated: 2024-11-26. Review status: criteria provided, single submitter. Criteria: ACMG Guidelines, 2015. Collection method: clinical testing. Allele origin: germline.

Mayo Clinic Laboratories, Mayo Clinic
Classification: Benign. Last evaluated: 2024-11-12. Review status: criteria provided, single submitter. Criteria: ACMG Guidelines, 2015. Collection method: clinical testing. Allele origin: germline. Observed: 1 variant allele.
Comment: BS1, BS2

GeneDx
Classification: Benign. Last evaluated: 2020-06-24. Review status: criteria provided, single submitter. Criteria: GeneDx Variant Classification Process June 2021. Collection method: clinical testing. Allele origin: germline. Affected: yes.
Comment: This variant is associated with the following publications: (PMID: 30487145, 28776642, 24448499)

Eurofins Ntd Llc (ga)
Classification: Benign. Last evaluated: 2016-03-17. Review status: criteria provided, single submitter. Criteria: EGL Classification Definitions 2015. Collection method: clinical testing. Allele origin: germline. Observed: 1 variant allele, 1 heterozygote.

Breakthrough Genomics
Classification: Likely benign. Review status: criteria provided, single submitter. Criteria: ACMG Guidelines, 2015. Collection method: not provided. Allele origin: germline. Inheritance: Autosomal dominant inheritance. Affected: yes.

PreventionGenetics, part of Exact Sciences
Classification: Likely benign for NOTCH2-related condition. Last evaluated: 2020-06-11. Review status: no assertion criteria provided. Collection method: clinical testing. Allele origin: germline. Not counted in ClinVar's aggregate classification.
Comment: This variant is classified as likely benign based on ACMG/AMP sequence variant interpretation guidelines (Richards et al. 2015 PMID: 25741868, with internal and published modifications).

Clinical Genetics DNA and cytogenetics Diagnostics Lab, Erasmus MC, Erasmus Medical Center
Classification: Likely benign. Review status: no assertion criteria provided. Collection method: clinical testing. Allele origin: germline. Affected: yes. Study: VKGL Data-share Consensus. Not counted in ClinVar's aggregate classification.

Diagnostic Laboratory, Department of Genetics, University Medical Center Groningen
Classification: Likely benign. Review status: no assertion criteria provided. Collection method: clinical testing. Allele origin: germline. Affected: yes. Study: VKGL Data-share Consensus. Not counted in ClinVar's aggregate classification.

Laboratory of Diagnostic Genome Analysis, Leiden University Medical Center (LUMC)
Classification: Likely benign. Review status: no assertion criteria provided. Collection method: clinical testing. Allele origin: germline. Affected: yes. Study: VKGL Data-share Consensus. Not counted in ClinVar's aggregate classification.

Literature cited by the submitters: PubMed 28776642 (cited by Mayo Clinic Laboratories, Mayo Clinic).

NM_024408.4(NOTCH2):c.6094C>A (p.His2032Asn)

Gene: NOTCH2 (notch receptor 2; minus strand). Cytogenetic location: 1p12.
Variant type: single nucleotide variant.
Coding change: c.6094C>A on transcript NM_024408.4 (MANE Select); coding-DNA position 6094, C replaced by A.
Protein change: p.His2032Asn; replaces histidine 2032 with asparagine.
Molecular consequence: missense variant.
Genome position (GRCh38, 1-based): chr1:119,916,628, G>T on the plus strand (C>A on the coding strand, the complement: NOTCH2 is on the minus strand). VCF-style: chr1-119916628-G-T. GRCh37 (hg19) VCF-style: chr1-120459251-G-T.
Other names: p.His2032Asn; short protein forms H2032N.
Identifiers: ClinVar variation 286650 (VCV000286650.50), dbSNP rs143236410, ClinGen allele CA1039493.